The following is an entry in ClinVar:

NM_004431.5(EPHA2):c.121C>G (p.Leu41Val)

Gene: EPHA2 (EPH receptor A2; minus strand). Cytogenetic location: 1p36.13.
Variant type: single nucleotide variant.
Coding change: c.121C>G on transcript NM_004431.5 (MANE Select); coding-DNA position 121, C replaced by G.
Protein change: p.Leu41Val; replaces leucine 41 with valine.
Molecular consequence: missense variant. On other transcripts: intron variant (1).
Genome position (GRCh38, 1-based): chr1:16,150,928, G>C on the plus strand (C>G on the coding strand, the complement: EPHA2 is on the minus strand). VCF-style: chr1-16150928-G-C. GRCh37 (hg19) VCF-style: chr1-16477423-G-C.
Other names: c.-9-1881C>G (NM_001329090.2); short protein forms L41V.
Identifiers: ClinVar variation 293450 (VCV000293450.39), dbSNP rs147977279, ClinGen allele CA625598.

ClinVar aggregate classification (germline): Benign. Review status: criteria provided, multiple submitters, no conflicts (2 of 4 stars). 4 submissions from 4 submitters: Benign (4). Last evaluated 2024-11-01.

Conditions:
Cataract 6 multiple types. Also called: CATARACT 6, POSTERIOR POLAR; CATARACT 6, CONGENITAL TOTAL; CATARACT, AGE-RELATED CORTICAL, 2. Identifiers: Orphanet 91492, MedGen C1861825, MONDO:0007288, OMIM 116600.

Allele frequency attached by ClinVar (database versions not stated): gnomAD 0.00023 and 0.00064; ESP Exome Variant Server 0.00031; TOPMed 0.00038; gnomAD exomes 0.00201; 1000 Genomes Project 30x 0.00219; 1000 Genomes Project 0.00220; ExAC 0.00240.
gnomAD v4.1: 1,729 of 1,614,150 alleles (0.11%); highest among the groups gnomAD compares: South Asian, 1.3%; 25 homozygotes.

Submissions (4):

CeGaT Center for Human Genetics Tuebingen
Classification: Benign. Last evaluated: 2024-11-01. Review status: criteria provided, single submitter. Criteria: CeGaT Center For Human Genetics Tuebingen Variant Classification Criteria Version 2. Collection method: clinical testing. Allele origin: germline. Affected: yes. Observed: 2 variant alleles.
Comment: EPHA2: BS1, BS2

Labcorp Genetics (formerly Invitae), Labcorp
Classification: Benign for Cataract 6 multiple types. Last evaluated: 2024-02-02. Review status: criteria provided, single submitter. Criteria: Invitae Variant Classification Sherloc (09022015). Collection method: clinical testing. Allele origin: germline.

Illumina Laboratory Services, Illumina
Classification: Benign for Cataract 6 multiple types. Last evaluated: 2018-01-13. Review status: criteria provided, single submitter. Criteria: ICSL Variant Classification Criteria 13 December 2019. Collection method: clinical testing. Allele origin: germline.
Comment: This variant was observed in the ICSL laboratory as part of a predisposition screen in an ostensibly healthy population. It had not been previously curated by ICSL or reported in the Human Gene Mutation Database (HGMD: prior to June 1st, 2018), and was therefore a candidate for classification through an automated scoring system. Utilizing variant allele frequency, disease prevalence and penetrance estimates, and inheritance mode, an automated score was calculated to assess if this variant is too frequent to cause the disease. Based on the score and internal cut-off values, a variant classified as benign is not then subjected to further curation. The score for this variant resulted in a classification of benign for this disease.

Breakthrough Genomics
Classification: Benign. Review status: criteria provided, single submitter. Criteria: ACMG Guidelines, 2015. Collection method: not provided. Allele origin: germline. Inheritance: Autosomal dominant inheritance. Affected: yes.